The following is an entry in ClinVar:

ClinVar aggregate classification (germline): Benign. Review status: criteria provided, multiple submitters, no conflicts (2 of 4 stars). 2 submissions from 2 submitters: Benign (2). Last evaluated 2018-01-13.

Conditions:
Isolated focal non-epidermolytic palmoplantar keratoderma. Also called: Palmoplantar keratoderma, nonepidermolytic, focal 2. Identifiers: Orphanet 448264, MedGen C4225339, MONDO:0014622, OMIM 616400.

Allele frequency attached by ClinVar (database versions not stated): gnomAD exomes 1.00000; TOPMed 0.93832; 1000 Genomes Project 0.94249; 1000 Genomes Project 30x 0.93754.
gnomAD v4.1: 144,169 of 152,286 alleles (95%); highest among the groups gnomAD compares: East Asian, 100%; 68,733 homozygotes.

Submissions (2):

Illumina Laboratory Services, Illumina
Classification: Benign for Isolated focal non-epidermolytic palmoplantar keratoderma. Last evaluated: 2018-01-13. Review status: criteria provided, single submitter. Criteria: ICSL Variant Classification Criteria 13 December 2019. Collection method: clinical testing. Allele origin: germline.
Comment: This variant was observed in the ICSL laboratory as part of a predisposition screen in an ostensibly healthy population. It had not been previously curated by ICSL or reported in the Human Gene Mutation Database (HGMD: prior to June 1st, 2018), and was therefore a candidate for classification through an automated scoring system. Utilizing variant allele frequency, disease prevalence and penetrance estimates, and inheritance mode, an automated score was calculated to assess if this variant is too frequent to cause the disease. Based on the score and internal cut-off values, a variant classified as benign is not then subjected to further curation. The score for this variant resulted in a classification of benign for this disease.

Breakthrough Genomics
Classification: Benign. Review status: criteria provided, single submitter. Criteria: ACMG Guidelines, 2015. Collection method: not provided. Allele origin: germline. Inheritance: Autosomal dominant inheritance. Affected: yes.

NM_145068.4(TRPV3):c.*2352G>A

Genes: SPATA22 (spermatogenesis associated 22; minus strand), TRPV3 (transient receptor potential cation channel subfamily V member 3; minus strand). Cytogenetic location: 17p13.2.
Variant type: single nucleotide variant.
Coding change: c.*2352G>A on transcript NM_145068.4 (MANE Select); 2352 bases downstream of the stop codon, G replaced by A.
Molecular consequence: 3 prime UTR variant. On other transcripts: intron variant (2).
Genome position (GRCh38, 1-based): chr17:3,511,565, C>T on the plus strand (G>A on the coding strand, the complement: TRPV3 is on the minus strand). VCF-style: chr17-3511565-C-T. GRCh37 (hg19) VCF-style: chr17-3414859-C-T.
Other names: c.*2352G>A (NM_001258205.2); c.-74+1847G>A (NM_001321336.2, NM_001321337.2).
Identifiers: ClinVar variation 322694 (VCV000322694.8), dbSNP rs4790503, ClinGen allele CA10649033.